The following is an entry in ClinVar:

NM_004366.6(CLCN2):c.538C>G (p.Leu180Val)

Gene: CLCN2 (chloride voltage-gated channel 2; minus strand). Cytogenetic location: 3q27.1.
Variant type: single nucleotide variant.
Coding change: c.538C>G on transcript NM_004366.6 (MANE Select); coding-DNA position 538, C replaced by G.
Protein change: p.Leu180Val; replaces leucine 180 with valine.
Molecular consequence: missense variant.
Genome position (GRCh38, 1-based): chr3:184,358,039, G>C on the plus strand (C>G on the coding strand, the complement: CLCN2 is on the minus strand). VCF-style: chr3-184358039-G-C. GRCh37 (hg19) VCF-style: chr3-184075827-G-C.
Other names: c.538C>G, p.Leu180Val (NM_001171087.3, NM_001171089.3); c.406C>G, p.Leu136Val (NM_001171088.3); short protein forms L136V, L180V.
Identifiers: ClinVar variation 4278994 (VCV004278994.1).
Genomic context (GRCh38, chr3:184,358,039, plus strand): 5'-TCCCGCTGCCTAGGGCGCAGGTCAGCCCAATGACCTTAGCTATAAAGGTCTTGAGTGTGA[G>C]GTATTCTTTCAGCACCACTCCCCGCAAGATGGTCTTCATCTCAGGGATGCCAGAGCCTGG-3'
Protein context (NP_004357.3, residues 170-190): ILRGVVLKEY[Leu180Val]TLKTFIAKVI

ClinVar aggregate classification (germline): Uncertain significance (1 of 4 stars; one submission).

Conditions:
Epilepsy, idiopathic generalized, susceptibility to, 11 (EIG11). Identifiers: Orphanet 307, MedGen C2750893, MONDO:0011875, OMIM 607628.

Submission:

Center for Precision Genome Editing and Genetic Technologies for Biomedicine, Pirogov Russian National Research Medical University
Classification: Uncertain significance for Epilepsy, idiopathic generalized, susceptibility to, 11. Review status: criteria provided, single submitter. Criteria: ACMG Guidelines, 2015. Collection method: clinical testing. Allele origin: unknown. Inheritance: Autosomal dominant inheritance. Affected: yes. Observed: 1 heterozygote.
Comment: This is a missense variant that results in an amino acid substitution. This variant has not been detected in control samples nor in patients with epilepsy, PM2 criterion. The pathogenicity prediction program MetaRNN classifies this variant as pathogenic, supporting the PP3 criterion. Based on the applied ACMG/AMP criteria (PM2, PP3), this variant is classified as a Variant of Uncertain Significance (VUS).

Literature cited by the submitters: DOI 10.1016/j.ajhg.2022.10.013.